The following is an entry in ClinVar:

ClinVar aggregate classification (germline): Uncertain significance (1 of 4 stars; one submission).

Conditions:
Cardiovascular phenotype. Identifiers: MedGen CN230736.

gnomAD v4.1: 1 of 1,612,922 alleles (0.000062%); highest among the groups gnomAD compares: African/African-American, 0.0013%; no homozygotes.

Submission:

Ambry Genetics
Classification: Uncertain significance for Cardiovascular phenotype. Last evaluated: 2025-11-04. Review status: criteria provided, single submitter. Criteria: Ambry Variant Classification Scheme 2023. Collection method: clinical testing. Allele origin: germline.
Comment: The p.T1385A variant (also known as c.4153A>G), located in coding exon 30 of the LAMA4 gene, results from an A to G substitution at nucleotide position 4153. The threonine at codon 1385 is replaced by alanine, an amino acid with similar properties. This amino acid position is conserved. In addition, this alteration is predicted to be tolerated by in silico analysis. Based on the available evidence, the clinical significance of this variant remains unclear.

NM_001105206.3(LAMA4):c.4174A>G (p.Thr1392Ala)

Gene: LAMA4 (laminin subunit alpha 4; minus strand). Cytogenetic location: 6q21.
Variant type: single nucleotide variant.
Coding change: c.4174A>G on transcript NM_001105206.3 (MANE Select); coding-DNA position 4174, A replaced by G.
Protein change: p.Thr1392Ala; replaces threonine 1392 with alanine.
Molecular consequence: missense variant.
Genome position (GRCh38, 1-based): chr6:112,129,035, T>C on the plus strand (A>G on the coding strand, the complement: LAMA4 is on the minus strand). VCF-style: chr6-112129035-T-C. GRCh37 (hg19) VCF-style: chr6-112450237-T-C.
Other names: c.4153A>G, p.Thr1385Ala (NM_002290.5, NM_001105207.3); short protein forms T1385A, T1392A.
Identifiers: ClinVar variation 4614450 (VCV004614450.1).